The following is an entry in ClinVar:

ClinVar aggregate classification (germline): Benign/Likely benign. Review status: criteria provided, multiple submitters, no conflicts (2 of 4 stars). 7 submissions from 7 submitters: Benign (1); Likely benign (5). 1 of the submissions does not count toward it. Last evaluated 2025-01-13.

Conditions:
Familial cancer of breast. Also called: BREAST CANCER, FAMILIAL; hereditary breast carcinoma; Hereditary breast cancer. Identifiers: Orphanet 227535, MedGen C0346153, MONDO:0016419, OMIM 114480. Disease mechanism: loss of function.
Familial pancreatic carcinoma. Identifiers: Orphanet 1333, MedGen C2931038, MONDO:0015278, OMIM 260350.
Hereditary breast ovarian cancer syndrome. Also called: Hereditary breast and ovarian cancer syndrome (HBOC); Hereditary breast and ovarian cancer syndrome; BRCA1- and BRCA2-Associated Hereditary Breast and Ovarian Cancer; Hereditary breast and ovarian cancer; Breast and ovarian cancer; Hereditary breast and/or ovarian cancer syndrome. Identifiers: Orphanet 145, MedGen C0677776, MeSH D061325, MONDO:0003582. Disease mechanism: loss of function.
Hereditary cancer-predisposing syndrome. Also called: Neoplastic Syndromes, Hereditary; Hereditary Cancer Syndrome; Tumor predisposition; Hereditary neoplastic syndrome. Identifiers: Orphanet 140162, MedGen C0027672, MeSH D009386, MONDO:0015356.

Allele frequency attached by ClinVar (database versions not stated): gnomAD exomes 0.00002.
gnomAD v4.1: 22 of 1,614,042 alleles (0.0014%); highest among the groups gnomAD compares: Non-Finnish European, 0.0019%; no homozygotes.

Submissions (7):

Myriad Genetics, Inc.
Classification: Benign for Familial cancer of breast. Last evaluated: 2025-01-13. Review status: criteria provided, single submitter. Criteria: Myriad Autosomal Dominant, Autosomal Recessive and X-Linked Classification Criteria (2023). Collection method: clinical testing. Allele origin: unknown.
Comment: This variant is considered benign. This variant is a silent/synonymous amino acid change and it is not expected to impact splicing.

Molecular Diagnostics Laboratory, Catalan Institute of Oncology
Classification: Likely benign for Hereditary cancer-predisposing syndrome. Last evaluated: 2024-10-30. Review status: criteria provided, single submitter. Criteria: ClinGen ACMG Specifications PALB2 V1.0.0. Collection method: clinical testing. Allele origin: germline.
Comment: PM2_Supporting, BP4, BP7 c.1191A>G, located in exon 4 of the PALB2 gene, is predicted to result in no splicing alteration (according to SpliceAI) and no amino acid change, p.(Thr397=)(BP4, BP7).It is not present in the population database gnomAD v2.1.1, non cancer dataset (PM2_Supporting). A case-control study reports this variant in 1/7051 breast cancer female patients but was not observed in the cohort of 11241 female controls from Japan (PMID: 30287823). To our knowledge, well-stablished functional studies have not been reported for this variant. The variant has been reported in the ClinVar (3x likely benign, 1x uncertain significance) and the LOVD (1x likely benign, 1x uncertain significance). Based on currently available information, c.1191A>G is classified as a likely benign variant according to ClinGen-PALB2 Guidelines version 1.0 ACMG guidelines.

Labcorp Genetics (formerly Invitae), Labcorp
Classification: Likely benign for Familial cancer of breast. Last evaluated: 2024-10-23. Review status: criteria provided, single submitter. Criteria: Invitae Variant Classification Sherloc (09022015). Collection method: clinical testing. Allele origin: germline.

Ambry Genetics
Classification: Likely benign for Hereditary cancer-predisposing syndrome. Last evaluated: 2022-12-12. Review status: criteria provided, single submitter. Criteria: Ambry Variant Classification Scheme 2023. Collection method: clinical testing. Allele origin: germline.

Department of Pathology and Laboratory Medicine, Sinai Health System
Classification: Likely benign for Hereditary breast ovarian cancer syndrome; Familial pancreatic carcinoma. Last evaluated: 2020-08-20. Review status: criteria provided, single submitter. Criteria: ACMG Guidelines, 2015. Collection method: clinical testing. Allele origin: germline. Affected: yes.

GeneDx
Classification: Likely benign. Last evaluated: 2018-07-20. Review status: criteria provided, single submitter. Criteria: GeneDx Variant Classification Process June 2021. Collection method: clinical testing. Allele origin: germline. Affected: yes.
Comment: See Variant Classification Assertion Criteria.

Leiden Open Variation Database
Classification: Uncertain significance. Last evaluated: 2018-10-10. Review status: no assertion criteria provided. Collection method: curation. Allele origin: germline. Affected: yes. Not counted in ClinVar's aggregate classification.
Comment: Curators: Marc Tischkowitz, Arleen D. Auerbach. Submitter to LOVD: Yukihide Momozawa.

Literature cited by the submitters: PubMed 30287823 (cited by Department of Pathology and Laboratory Medicine, Sinai Health System and Leiden Open Variation Database).

NM_024675.4(PALB2):c.1191A>G (p.Thr397=)

Gene: PALB2 (partner and localizer of BRCA2; minus strand). Cytogenetic location: 16p12.2.
Variant type: single nucleotide variant.
Coding change: c.1191A>G on transcript NM_024675.4 (MANE Select); coding-DNA position 1191, A replaced by G.
Protein change: p.Thr397=; no amino-acid change (threonine 397 retained).
Molecular consequence: synonymous variant.
Genome position (GRCh38, 1-based): chr16:23,635,355, T>C on the plus strand (A>G on the coding strand, the complement: PALB2 is on the minus strand). VCF-style: chr16-23635355-T-C. GRCh37 (hg19) VCF-style: chr16-23646676-T-C.
Identifiers: ClinVar variation 742734 (VCV000742734.19), dbSNP rs1597096781, ClinGen allele CA494461816.